The following is an entry in ClinVar:

ClinVar aggregate classification (germline): Pathogenic. Review status: criteria provided, single submitter (1 of 4 stars). 3 submissions from 3 submitters: Pathogenic (1). 2 of the submissions do not count toward it. Last evaluated 2024-10-02.

Conditions:
Ornithine carbamoyltransferase deficiency (OTCD). Also called: ORNITHINE TRANSCARBAMYLASE DEFICIENCY, HYPERAMMONEMIA DUE TO; OTC DEFICIENCY; ORNITHINE TRANSCARBAMYLASE DEFICIENCY; Ornithine Carbamoyltransferase Deficiency Disease. Identifiers: Orphanet 664, MedGen C0268542, MONDO:0010703, OMIM 311250.

Submissions (3):

GeneDx
Classification: Pathogenic. Last evaluated: 2024-10-02. Review status: criteria provided, single submitter. Criteria: GeneDx Variant Classification Process June 2021. Collection method: clinical testing. Allele origin: germline. Affected: yes.
Comment: Nonsense variant predicted to result in protein truncation or nonsense mediated decay in a gene for which loss of function is a known mechanism of disease; Not observed at significant frequency in large population cohorts (gnomAD); This variant is associated with the following publications: (PMID: 30175132, 34014569, 1353535)

OMIM
Classification: Pathogenic for ORNITHINE TRANSCARBAMYLASE DEFICIENCY. Last evaluated: 1992-07-01. Review status: no assertion criteria provided. Collection method: literature only. Allele origin: germline. Not counted in ClinVar's aggregate classification.

GenMed Metabolism Lab
Classification: Pathogenic. Review status: no assertion criteria provided. Collection method: not provided. Allele origin: unknown. Not counted in ClinVar's aggregate classification.
ClinVar note: Converted during submission from pathogenic to Pathogenic.

Literature cited by the submitters: PubMed 1353535 (cited by OMIM).

NM_000531.6(OTC):c.148G>T (p.Gly50Ter)

Gene: OTC (ornithine transcarbamylase; plus strand). Cytogenetic location: Xp11.4.
Variant type: single nucleotide variant.
Coding change: c.148G>T on transcript NM_000531.6 (MANE Select); coding-DNA position 148, G replaced by T.
Protein change: p.Gly50Ter; replaces glycine 50 with a stop codon.
Molecular consequence: nonsense.
Genome position (GRCh38, 1-based): chrX:38,367,361, G>T. VCF-style: chrX-38367361-G-T. GRCh37 (hg19) VCF-style: chrX-38226614-G-T.
Other names: short protein forms G50*.
Identifiers: ClinVar variation 11002 (VCV000011002.3), dbSNP rs67486158, ClinGen allele CA224472.